The following is an entry in ClinVar:

NM_016247.4(IMPG2):c.1604C>T (p.Ser535Leu)

Gene: IMPG2 (interphotoreceptor matrix proteoglycan 2; minus strand). Cytogenetic location: 3q12.3.
Variant type: single nucleotide variant.
Coding change: c.1604C>T on transcript NM_016247.4 (MANE Select); coding-DNA position 1604, C replaced by T.
Protein change: p.Ser535Leu; replaces serine 535 with leucine.
Molecular consequence: missense variant.
Genome position (GRCh38, 1-based): chr3:101,244,727, G>A on the plus strand (C>T on the coding strand, the complement: IMPG2 is on the minus strand). VCF-style: chr3-101244727-G-A. GRCh37 (hg19) VCF-style: chr3-100963571-G-A.
Other names: c.1604C>T (NM_016247.3); short protein forms S535L.
Identifiers: ClinVar variation 1043392 (VCV001043392.11), dbSNP rs773283880, ClinGen allele CA2519123.

ClinVar aggregate classification (germline): Uncertain significance. Review status: criteria provided, multiple submitters, no conflicts (2 of 4 stars). 3 submissions from 3 submitters: Uncertain significance (3). Last evaluated 2025-05-21.

Conditions:
Inborn genetic diseases. Identifiers: MedGen C0950123, MeSH D030342.

Allele frequency attached by ClinVar (database versions not stated): ExAC 0.00001; TOPMed 0.00002.
gnomAD v4.1: 15 of 1,613,844 alleles (0.00093%); highest among the groups gnomAD compares: Non-Finnish European, 0.0011%; no homozygotes.

Submissions (3):

Ambry Genetics
Classification: Uncertain significance for Inborn genetic diseases. Last evaluated: 2025-05-21. Review status: criteria provided, single submitter. Criteria: Ambry Variant Classification Scheme 2023. Collection method: clinical testing. Allele origin: germline.

Blueprint Genetics
Classification: Uncertain significance. Last evaluated: 2020-02-21. Review status: criteria provided, single submitter. Criteria: ACMG Guidelines, 2015. Collection method: clinical testing. Allele origin: germline.

Labcorp Genetics (formerly Invitae), Labcorp
Classification: Uncertain significance. Last evaluated: 2020-02-04. Review status: criteria provided, single submitter. Criteria: Invitae Variant Classification Sherloc (09022015). Collection method: clinical testing. Allele origin: germline.
Comment: In summary, the available evidence is currently insufficient to determine the role of this variant in disease. Therefore, it has been classified as a Variant of Uncertain Significance. Algorithms developed to predict the effect of missense changes on protein structure and function output the following: SIFT: "Tolerated"; PolyPhen-2: "Benign"; Align-GVGD: "Class C0". The leucine amino acid residue is found in multiple mammalian species, suggesting that this missense change does not adversely affect protein function. These predictions have not been confirmed by published functional studies and their clinical significance is uncertain. This variant has not been reported in the literature in individuals with IMPG2-related conditions. This variant is present in population databases (rs773283880, ExAC 0.002%). This sequence change replaces serine with leucine at codon 535 of the IMPG2 protein (p.Ser535Leu). The serine residue is weakly conserved and there is a large physicochemical difference between serine and leucine.